The following is an entry in ClinVar:

NM_007248.3(TREX1):c.1033_1050del

Gene: TREX1 (three prime repair exonuclease 1; plus strand). Cytogenetic location: 3p21.31.
Variant type: Deletion.
Coding change: c.1033_1050del on transcript NM_007248.3; coding-DNA positions 1033 to 1050, 18 bases deleted (GGAGGGCACAGTGTTTGT).
Genome position (GRCh38, 1-based): chr3:48,467,718-48,467,735, GGAGGGCACAGTGTTTGT deleted. VCF-style (leftmost placement, unchanged base first): chr3-48467717-AGGAGGGCACAGTGTTTGT-A. GRCh37 (hg19) VCF-style: chr3-48509116-AGGAGGGCACAGTGTTTGT-A.
Identifiers: ClinVar variation 692082 (VCV000692082.3), dbSNP rs1575295176, ClinGen allele CA915942476.

ClinVar aggregate classification (germline): Likely pathogenic (1 of 4 stars; one submission).

Conditions:
Aicardi-Goutieres syndrome 1. Also called: CREE ENCEPHALITIS; ENCEPHALOPATHY, FAMILIAL INFANTILE, WITH INTRACRANIAL CALCIFICATION AND CHRONIC CEREBROSPINAL FLUID LYMPHOCYTOSIS; PSEUDOTOXOPLASMOSIS SYNDROME. Identifiers: Orphanet 51, MedGen C0796126, MONDO:0009165, OMIM 225750.

Submission:

Rady Children's Institute for Genomic Medicine, Rady Children's Hospital San Diego
Classification: Likely pathogenic for AICARDI-GOUTIERES SYNDROME 1. Last evaluated: 2019-03-12. Review status: criteria provided, single submitter. Criteria: ACMG Guidelines, 2015. Collection method: clinical testing. Allele origin: germline. Affected: yes. Observed: 1 variant allele.
Comment: This variant has been previously reported as a compound heterozygous change in patients with Aicardi-Goutieres syndrome (PMID: 17846997, 24300241, 25582466). It is present in the heterozygous state in the gnomAD population database at a frequency of .006% (17/276882) and thus is presumed to be rare. Based on the available evidence, the c.1033_1050del (p.Pro345_Ala350del) variant is classified as likely pathogenic.